The following is an entry in ClinVar:

NM_003579.4(RAD54L):c.1389C>G (p.Ile463Met)

Gene: RAD54L (RAD54 like; plus strand). Cytogenetic location: 1p34.1.
Variant type: single nucleotide variant.
Coding change: c.1389C>G on transcript NM_003579.4 (MANE Select); coding-DNA position 1389, C replaced by G.
Protein change: p.Ile463Met; replaces isoleucine 463 with methionine.
Molecular consequence: missense variant.
Genome position (GRCh38, 1-based): chr1:46,273,368, C>G. VCF-style: chr1-46273368-C-G. GRCh37 (hg19) VCF-style: chr1-46739040-C-G.
Other names: c.1389C>G, p.Ile463Met (NM_001142548.2); c.849C>G, p.Ile283Met (NM_001370766.1); short protein forms I283M, I463M.
Identifiers: ClinVar variation 1771471 (VCV001771471.3), dbSNP rs762177990, ClinGen allele CA834598.

ClinVar aggregate classification (germline): Uncertain significance (1 of 4 stars; one submission).

Allele frequency attached by ClinVar (database versions not stated): ExAC 0.00001; gnomAD 0.00001; TOPMed 0.00001.
gnomAD v4.1: 42 of 1,612,560 alleles (0.0026%); highest among the groups gnomAD compares: Non-Finnish European, 0.0035%; no homozygotes.

Submission:

Ambry Genetics
Classification: Uncertain significance. Last evaluated: 2024-10-13. Review status: criteria provided, single submitter. Criteria: Ambry Variant Classification Scheme 2023. Collection method: clinical testing. Allele origin: germline.
Comment: The p.I463M variant (also known as c.1389C>G), located in coding exon 13 of the RAD54L gene, results from a C to G substitution at nucleotide position 1389. The isoleucine at codon 463 is replaced by methionine, an amino acid with highly similar properties. This amino acid position is conserved. In addition, this alteration is predicted to be deleterious by in silico analysis. Since supporting evidence is limited at this time, the clinical significance of this alteration remains unclear.